The following is an entry in ClinVar:

NM_006648.4(WNK2):c.4465C>T (p.Pro1489Ser)

Gene: WNK2 (WNK lysine deficient protein kinase 2; plus strand). Cytogenetic location: 9q22.31.
Variant type: single nucleotide variant.
Coding change: c.4465C>T on transcript NM_006648.4 (MANE Select); coding-DNA position 4465, C replaced by T.
Protein change: p.Pro1489Ser; replaces proline 1489 with serine.
Molecular consequence: missense variant.
Genome position (GRCh38, 1-based): chr9:93,289,219, C>T. VCF-style: chr9-93289219-C-T. GRCh37 (hg19) VCF-style: chr9-96051501-C-T.
Other names: c.4576C>T, p.Pro1526Ser (NM_001282394.3); short protein forms P1489S, P1526S.
Identifiers: ClinVar variation 4826208 (VCV004826208.1).

ClinVar aggregate classification (germline): Uncertain significance (1 of 4 stars; one submission).

gnomAD v4.1: 2 of 1,604,672 alleles (0.00012%); highest among the groups gnomAD compares: South Asian, 0.0011%; no homozygotes.

Submission:

Ambry Genetics
Classification: Uncertain significance. Last evaluated: 2026-02-23. Review status: criteria provided, single submitter. Criteria: Ambry Variant Classification Scheme 2023. Collection method: clinical testing. Allele origin: germline.
Comment: The p.P1489S variant (also known as c.4465C>T), located in coding exon 19 of the WNK2 gene, results from a C to T substitution at nucleotide position 4465. The proline at codon 1489 is replaced by serine, an amino acid with similar properties. This amino acid position is conserved. In addition, this alteration is predicted to be tolerated by in silico analysis. Based on the available evidence, the clinical significance of this variant remains unclear.